The following is an entry in ClinVar:

ClinVar aggregate classification (germline): Pathogenic/Likely pathogenic. Review status: criteria provided, multiple submitters, no conflicts (2 of 4 stars). 2 submissions from 2 submitters: Pathogenic (1); Likely pathogenic (1). Last evaluated 2022-05-06.

gnomAD v4.1: 1 of 1,614,162 alleles (0.000062%); highest among the groups gnomAD compares: South Asian, 0.0011%; no homozygotes.

Submissions (2):

Labcorp Genetics (formerly Invitae), Labcorp
Classification: Pathogenic. Last evaluated: 2022-05-06. Review status: criteria provided, single submitter. Criteria: Invitae Variant Classification Sherloc (09022015). Collection method: clinical testing. Allele origin: germline.
Comment: For these reasons, this variant has been classified as Pathogenic. ClinVar contains an entry for this variant (Variation ID: 1324338). This variant has not been reported in the literature in individuals affected with EPHB4-related conditions. This variant is not present in population databases (gnomAD no frequency). This sequence change creates a premature translational stop signal (p.Ser299*) in the EPHB4 gene. It is expected to result in an absent or disrupted protein product. Loss-of-function variants in EPHB4 are known to be pathogenic (PMID: 28687708).

Revvity Omics, Revvity
Classification: Likely pathogenic. Last evaluated: 2021-09-06. Review status: criteria provided, single submitter. Criteria: ACMG Guidelines, 2015. Collection method: clinical testing. Allele origin: germline.

Literature cited by the submitters: PubMed 28687708 (cited by Labcorp Genetics (formerly Invitae), Labcorp).

NM_004444.5(EPHB4):c.896C>G (p.Ser299Ter)

Gene: EPHB4 (EPH receptor B4; minus strand). Cytogenetic location: 7q22.1.
Variant type: single nucleotide variant.
Coding change: c.896C>G on transcript NM_004444.5 (MANE Select); coding-DNA position 896, C replaced by G.
Protein change: p.Ser299Ter; replaces serine 299 with a stop codon.
Molecular consequence: nonsense.
Genome position (GRCh38, 1-based): chr7:100,820,209, G>C on the plus strand (C>G on the coding strand, the complement: EPHB4 is on the minus strand). VCF-style: chr7-100820209-G-C. GRCh37 (hg19) VCF-style: chr7-100417831-G-C.
Other names: short protein forms S299*.
Identifiers: ClinVar variation 1324338 (VCV001324338.8), dbSNP rs964985310, ClinGen allele CA368577700.
Genomic context (GRCh38, chr7:100,820,209, plus strand): 5'-GGTGCACCCCGGGGGTCTGTGCGTGCCCGGAAGTACCCGACGCGGCACTGGCAGACGGCT[G>C]ATCCAATGGTGTTAGAGTGGCTATTGGCTGGGCATGGCTGGCAGGACCCTTCTCCTGACA-3'